The following is an entry in ClinVar:

NM_006922.4(SCN3A):c.5789A>G (p.Glu1930Gly)

Gene: SCN3A (sodium voltage-gated channel alpha subunit 3; minus strand). Cytogenetic location: 2q24.3.
Variant type: single nucleotide variant.
Coding change: c.5789A>G on transcript NM_006922.4 (MANE Select); coding-DNA position 5789, A replaced by G.
Protein change: p.Glu1930Gly; replaces glutamic acid 1930 with glycine.
Molecular consequence: missense variant.
Genome position (GRCh38, 1-based): chr2:165,090,364, T>C on the plus strand (A>G on the coding strand, the complement: SCN3A is on the minus strand). VCF-style: chr2-165090364-T-C. GRCh37 (hg19) VCF-style: chr2-165946874-T-C.
Other names: c.5642A>G, p.Glu1881Gly (NM_001081676.2, NM_001081677.2); short protein forms E1930G, E1881G.
Identifiers: ClinVar variation 1403126 (VCV001403126.6), dbSNP rs1685025962, ClinGen allele CA349009643.

ClinVar aggregate classification (germline): Uncertain significance (1 of 4 stars; one submission).

Allele frequency attached by ClinVar (database versions not stated): gnomAD exomes below 0.00001; TOPMed below 0.00001; gnomAD 0.00001.
gnomAD v4.1: 6 of 1,613,000 alleles (0.00037%); highest among the groups gnomAD compares: Non-Finnish European, 0.00051%; no homozygotes.

Submission:

Labcorp Genetics (formerly Invitae), Labcorp
Classification: Uncertain significance. Last evaluated: 2023-12-11. Review status: criteria provided, single submitter. Criteria: Invitae Variant Classification Sherloc (09022015). Collection method: clinical testing. Allele origin: germline.
Comment: This sequence change replaces glutamic acid, which is acidic and polar, with glycine, which is neutral and non-polar, at codon 1930 of the SCN3A protein (p.Glu1930Gly). This variant is not present in population databases (gnomAD no frequency). This variant has not been reported in the literature in individuals affected with SCN3A-related conditions. ClinVar contains an entry for this variant (Variation ID: 1403126). Advanced modeling of protein sequence and biophysical properties (such as structural, functional, and spatial information, amino acid conservation, physicochemical variation, residue mobility, and thermodynamic stability) performed at Invitae indicates that this missense variant is not expected to disrupt SCN3A protein function with a negative predictive value of 95%. In summary, the available evidence is currently insufficient to determine the role of this variant in disease. Therefore, it has been classified as a Variant of Uncertain Significance.